The following is an entry in ClinVar:

ClinVar aggregate classification (germline): Uncertain significance. Review status: criteria provided, multiple submitters, no conflicts (2 of 4 stars). 2 submissions from 2 submitters: Uncertain significance (2). Last evaluated 2024-01-18.

Conditions:
Intellectual developmental disorder, autosomal dominant 6, with or without seizures. Also called: Intellectual disability, autosomal dominant 6; GRIN2B-related developmental delay, intellectual disability and autism spectrum disorder. Identifiers: Orphanet 589547, MedGen C3151411, MONDO:0013509, OMIM 613970.
Developmental and epileptic encephalopathy, 27 (DEE27). Also called: Epileptic encephalopathy, early infantile, 27; GRIN2B-Related Neurodevelopmental Disorder. Identifiers: Orphanet 3451, MedGen C4015316, MONDO:0014505, OMIM 616139.

Allele frequency attached by ClinVar (database versions not stated): gnomAD exomes below 0.00001.
gnomAD v4.1: 3 of 1,613,758 alleles (0.00019%); highest among the groups gnomAD compares: African/African-American, 0.0013%; no homozygotes.

Submissions (2):

Labcorp Genetics (formerly Invitae), Labcorp
Classification: Uncertain significance for Developmental and epileptic encephalopathy, 27; Intellectual developmental disorder, autosomal dominant 6, with or without seizures. Last evaluated: 2024-01-18. Review status: criteria provided, single submitter. Criteria: Invitae Variant Classification Sherloc (09022015). Collection method: clinical testing. Allele origin: germline.
Comment: This sequence change replaces glycine, which is neutral and non-polar, with glutamic acid, which is acidic and polar, at codon 1171 of the GRIN2B protein (p.Gly1171Glu). This variant is not present in population databases (gnomAD no frequency). This variant has not been reported in the literature in individuals affected with GRIN2B-related conditions. ClinVar contains an entry for this variant (Variation ID: 931826). Advanced modeling of protein sequence and biophysical properties (such as structural, functional, and spatial information, amino acid conservation, physicochemical variation, residue mobility, and thermodynamic stability) performed at Invitae indicates that this missense variant is not expected to disrupt GRIN2B protein function with a negative predictive value of 95%. In summary, the available evidence is currently insufficient to determine the role of this variant in disease. Therefore, it has been classified as a Variant of Uncertain Significance.

Centre for Mendelian Genomics, University Medical Centre Ljubljana
Classification: Uncertain significance for Intellectual developmental disorder, autosomal dominant 6, with or without seizures. Last evaluated: 2020-02-19. Review status: criteria provided, single submitter. Criteria: ACMG Guidelines, 2015. Collection method: clinical testing. Allele origin: unknown. Affected: yes.
Comment: This variant was classified as: Uncertain significance. The available evidence on this variant's pathogenicity is insufficient or conflicting. The following ACMG criteria were applied in classifying this variant: PM2,BP4.

NM_000834.5(GRIN2B):c.3512G>A (p.Gly1171Glu)

Gene: GRIN2B (glutamate ionotropic receptor NMDA type subunit 2B; minus strand). Cytogenetic location: 12p13.1.
Variant type: single nucleotide variant.
Coding change: c.3512G>A on transcript NM_000834.5 (MANE Select); coding-DNA position 3512, G replaced by A.
Protein change: p.Gly1171Glu; replaces glycine 1171 with glutamic acid.
Molecular consequence: missense variant.
Genome position (GRCh38, 1-based): chr12:13,563,726, C>T on the plus strand (G>A on the coding strand, the complement: GRIN2B is on the minus strand). VCF-style: chr12-13563726-C-T. GRCh37 (hg19) VCF-style: chr12-13716660-C-T.
Other names: short protein forms G1171E.
Identifiers: ClinVar variation 931826 (VCV000931826.11), dbSNP rs1948587537, ClinGen allele CA383988895.